The following is an entry in ClinVar:

ClinVar aggregate classification (germline): Uncertain significance (1 of 4 stars; one submission).

gnomAD v4.1: 1 of 1,211,922 alleles (0.000083%); highest among the groups gnomAD compares: Non-Finnish European, 0.00011%; no homozygotes.

Submission:

Labcorp Genetics (formerly Invitae), Labcorp
Classification: Uncertain significance. Last evaluated: 2022-06-13. Review status: criteria provided, single submitter. Criteria: Invitae Variant Classification Sherloc (09022015). Collection method: clinical testing. Allele origin: germline.
Comment: In summary, the available evidence is currently insufficient to determine the role of this variant in disease. Therefore, it has been classified as a Variant of Uncertain Significance. Algorithms developed to predict the effect of missense changes on protein structure and function (SIFT, PolyPhen-2, Align-GVGD) all suggest that this variant is likely to be tolerated. This variant has not been reported in the literature in individuals affected with EFNB1-related conditions. This variant is not present in population databases (gnomAD no frequency). This sequence change replaces serine, which is neutral and polar, with tyrosine, which is neutral and polar, at codon 201 of the EFNB1 protein (p.Ser201Tyr).

NM_004429.5(EFNB1):c.602C>A (p.Ser201Tyr)

Gene: EFNB1 (ephrin B1; plus strand). Cytogenetic location: Xq13.1.
Variant type: single nucleotide variant.
Coding change: c.602C>A on transcript NM_004429.5 (MANE Select); coding-DNA position 602, C replaced by A.
Protein change: p.Ser201Tyr; replaces serine 201 with tyrosine.
Molecular consequence: missense variant.
Genome position (GRCh38, 1-based): chrX:68,840,062, C>A. VCF-style: chrX-68840062-C-A. GRCh37 (hg19) VCF-style: chrX-68059905-C-A.
Other names: short protein forms S201Y.
Identifiers: ClinVar variation 1510048 (VCV001510048.6), dbSNP rs2147976918, ClinGen allele CA413438323.
Genomic context (GRCh38, chrX:68,840,062, plus strand): 5'-CCAGCAAGGAGGCAGACAACACTGTCAAGATGGCCACACAGGCCCCTGGTAGTCGGGGCT[C>A]CCTGGGTGACTCTGATGGCAAGCATGGTAAGTGTATGTGTTTCCCAGAGGTCAGGAGCCA-3'
Protein context (NP_004420.1, residues 191-211): MATQAPGSRG[Ser201Tyr]LGDSDGKHET